The following is an entry in ClinVar:

NM_015559.3(SETBP1):c.4209G>A (p.Glu1403=)

Gene: SETBP1 (SET binding protein 1; plus strand). Cytogenetic location: 18q12.3.
Variant type: single nucleotide variant.
Coding change: c.4209G>A on transcript NM_015559.3 (MANE Select); coding-DNA position 4209, G replaced by A.
Protein change: p.Glu1403=; no amino-acid change (glutamic acid 1403 retained).
Molecular consequence: synonymous variant.
Genome position (GRCh38, 1-based): chr18:45,063,116, G>A. VCF-style: chr18-45063116-G-A. GRCh37 (hg19) VCF-style: chr18-42643081-G-A.
Other names: c.4209G>A, p.Glu1403= (LRG_1150t1).
Identifiers: ClinVar variation 326761 (VCV000326761.35), dbSNP rs565949588, ClinGen allele CA8946122.

ClinVar aggregate classification (germline): Benign/Likely benign. Review status: criteria provided, multiple submitters, no conflicts (2 of 4 stars). 4 submissions from 4 submitters: Benign (2); Likely benign (2). Last evaluated 2025-12-01.

Conditions:
Schinzel-Giedion syndrome (SGS). Identifiers: Orphanet 798, MedGen C0265227, MONDO:0010010, OMIM 269150.

Allele frequency attached by ClinVar (database versions not stated): gnomAD 0.00001 and 0.00029; TOPMed 0.00005; 1000 Genomes Project 0.00180; 1000 Genomes Project 30x 0.00203.
gnomAD v4.1: 911 of 1,613,974 alleles (0.056%); highest among the groups gnomAD compares: South Asian, 0.95%; 15 homozygotes.

Submissions (4):

Labcorp Genetics (formerly Invitae), Labcorp
Classification: Benign. Last evaluated: 2025-12-01. Review status: criteria provided, single submitter. Criteria: Invitae Variant Classification Sherloc (09022015). Collection method: clinical testing. Allele origin: germline.

CeGaT Center for Human Genetics Tuebingen
Classification: Benign. Last evaluated: 2024-08-01. Review status: criteria provided, single submitter. Criteria: CeGaT Center For Human Genetics Tuebingen Variant Classification Criteria Version 2. Collection method: clinical testing. Allele origin: germline. Affected: yes. Observed: 1 variant allele.
Comment: SETBP1: BP4, BS1, BS2

KCCC/NGS Laboratory, Kuwait Cancer Control Center
Classification: Likely benign for Schinzel-Giedion syndrome. Last evaluated: 2023-07-07. Review status: criteria provided, single submitter. Criteria: ACMG Guidelines, 2015. Collection method: clinical testing. Allele origin: germline. Affected: yes.

GeneDx
Classification: Likely benign. Last evaluated: 2020-03-29. Review status: criteria provided, single submitter. Criteria: GeneDx Variant Classification Process June 2021. Collection method: clinical testing. Allele origin: germline. Affected: yes.